The following is an entry in ClinVar:

NM_004260.4(RECQL4):c.433A>T (p.Thr145Ser)

Gene: RECQL4 (RecQ like helicase 4; minus strand). Cytogenetic location: 8q24.3.
Variant type: single nucleotide variant.
Coding change: c.433A>T on transcript NM_004260.4 (MANE Select); coding-DNA position 433, A replaced by T.
Protein change: p.Thr145Ser; replaces threonine 145 with serine.
Molecular consequence: missense variant.
Genome position (GRCh38, 1-based): chr8:144,516,686, T>A on the plus strand (A>T on the coding strand, the complement: RECQL4 is on the minus strand). VCF-style: chr8-144516686-T-A. GRCh37 (hg19) VCF-style: chr8-145742070-T-A.
Other names: c.433A>T, p.Thr145Ser (NM_001413017.1, NM_001413018.1, NM_001413019.1 and 4 more transcripts); c.-639A>T (NM_001413022.1, NM_001413023.1, NM_001413037.1 and 3 more transcripts); c.304A>T, p.Thr102Ser (NM_001413025.1); c.-701A>T (NM_001413027.1, NM_001413030.1, NM_001413031.1 and 1 more transcripts); c.-543A>T (NM_001413034.1); c.-908A>T (NM_001413043.1); short protein forms T102S, T145S.
Identifiers: ClinVar variation 2003169 (VCV002003169.4), dbSNP rs2130728985, ClinGen allele CA372691504.

ClinVar aggregate classification (germline): Uncertain significance (1 of 4 stars; one submission).

Conditions:
Baller-Gerold syndrome (BGS). Also called: CRANIOSYNOSTOSIS WITH RADIAL DEFECTS. Identifiers: Orphanet 1225, MedGen C0265308, MONDO:0009039, OMIM 218600.

Submission:

Labcorp Genetics (formerly Invitae), Labcorp
Classification: Uncertain significance for Baller-Gerold syndrome. Last evaluated: 2022-06-08. Review status: criteria provided, single submitter. Criteria: Invitae Variant Classification Sherloc (09022015). Collection method: clinical testing. Allele origin: germline.
Comment: This sequence change replaces threonine, which is neutral and polar, with serine, which is neutral and polar, at codon 145 of the RECQL4 protein (p.Thr145Ser). This variant is not present in population databases (gnomAD no frequency). This variant has not been reported in the literature in individuals affected with RECQL4-related conditions. Algorithms developed to predict the effect of sequence changes on RNA splicing suggest that this variant may disrupt the consensus splice site. In summary, the available evidence is currently insufficient to determine the role of this variant in disease. Therefore, it has been classified as a Variant of Uncertain Significance.